The following is an entry in ClinVar:

NM_006914.4(RORB):c.195C>G (p.Cys65Trp)

Gene: RORB (RAR related orphan receptor B; plus strand). Cytogenetic location: 9q21.13.
Variant type: single nucleotide variant.
Coding change: c.195C>G on transcript NM_006914.4 (MANE Select); coding-DNA position 195, C replaced by G.
Protein change: p.Cys65Trp; replaces cysteine 65 with tryptophan.
Molecular consequence: missense variant.
Genome position (GRCh38, 1-based): chr9:74,634,732, C>G. VCF-style: chr9-74634732-C-G. GRCh37 (hg19) VCF-style: chr9-77249648-C-G.
Other names: c.228C>G, p.Cys76Trp (NM_001365023.1); short protein forms C65W, C76W.
Identifiers: ClinVar variation 3365496 (VCV003365496.1).
Genomic context (GRCh38, chr9:74,634,732, plus strand): 5'-CTGCCCAAGGCAGAGAAACTGTTTAATTGACAGAACGAACAGAAACCGTTGCCAACACTG[C>G]CGACTGCAGAAGTGTCTTGCCCTAGGAATGTCAAGAGATGGTAAGACATTACCTTCCTGT-3'
Protein context (NP_008845.2, residues 55-75): DRTNRNRCQH[Cys65Trp]RLQKCLALGM

ClinVar aggregate classification (germline): Uncertain significance (1 of 4 stars; one submission).

Submission:

GeneDx
Classification: Uncertain significance. Last evaluated: 2023-12-10. Review status: criteria provided, single submitter. Criteria: GeneDx Variant Classification Process June 2021. Collection method: clinical testing. Allele origin: germline. Affected: yes.
Comment: Not observed at significant frequency in large population cohorts (gnomAD); In silico analysis supports that this missense variant has a deleterious effect on protein structure/function; Has not been previously published as pathogenic or benign to our knowledge